The following is an entry in ClinVar:

NM_152263.4(TPM3):c.706-3C>T

Gene: TPM3 (tropomyosin 3; minus strand). Cytogenetic location: 1q21.3.
Variant type: single nucleotide variant.
Coding change: c.706-3C>T on transcript NM_152263.4 (MANE Select); 3 bases into the intron before coding-DNA position 706, C replaced by T.
Molecular consequence: intron variant.
Genome position (GRCh38, 1-based): chr1:154,170,472, G>A on the plus strand (C>T on the coding strand, the complement: TPM3 is on the minus strand). VCF-style: chr1-154170472-G-A. GRCh37 (hg19) VCF-style: chr1-154142948-G-A.
Other names: c.706-3C>T (NM_001364679.2, NM_001364681.2, NM_001364680.2 and 1 more transcripts); c.397-3C>T (NM_001278188.2); c.595-3C>T (NM_001043351.2, NM_001043353.2, NM_001349679.2 and 4 more transcripts); c.532-3C>T (NM_001278190.2); c.325-3C>T (NM_001278191.2).
Identifiers: ClinVar variation 969686 (VCV000969686.8), dbSNP rs750493083, ClinGen allele CA1125538.

ClinVar aggregate classification (germline): Uncertain significance (1 of 4 stars; one submission).

Conditions:
Congenital myopathy 4B, autosomal recessive. Also called: Nemaline myopathy 1, autosomal dominant or recessive. Identifiers: Orphanet 171433, Orphanet 171439, Orphanet 171881, MedGen C5829889, MONDO:0012239, OMIM 609284.
Congenital myopathy with fiber type disproportion. Also called: Congenital fiber-type disproportion myopathy; Congenital fiber-type disproportion. Identifiers: Orphanet 2020, MedGen C0546264, MONDO:0009711. Inheritance: all.

Allele frequency attached by ClinVar (database versions not stated): gnomAD exomes below 0.00001; ExAC 0.00001.
gnomAD v4.1: 2 of 1,614,028 alleles (0.00012%); highest among the groups gnomAD compares: South Asian, 0.0022%; no homozygotes.

Submission:

Labcorp Genetics (formerly Invitae), Labcorp
Classification: Uncertain significance for Congenital myopathy with fiber type disproportion; Congenital myopathy 4B, autosomal recessive. Last evaluated: 2020-01-18. Review status: criteria provided, single submitter. Criteria: Invitae Variant Classification Sherloc (09022015). Collection method: clinical testing. Allele origin: germline.
Comment: In summary, the available evidence is currently insufficient to determine the role of this variant in disease. Therefore, it has been classified as a Variant of Uncertain Significance. Nucleotide substitutions within the consensus splice site are a relatively common cause of aberrant splicing (PMID: 17576681, 9536098). Algorithms developed to predict the effect of sequence changes on RNA splicing suggest that this variant is not likely to affect RNA splicing, but this prediction has not been confirmed by published transcriptional studies. This variant has not been reported in the literature in individuals with TPM3-related conditions. This variant is present in population databases (rs750493083, ExAC 0.006%). This sequence change falls in intron 7 of the TPM3 gene. It does not directly change the encoded amino acid sequence of the TPM3 protein, but it affects a nucleotide within the consensus splice site of the intron.

Literature cited by the submitters: PubMed 17576681; PubMed 9536098.